The following is an entry in ClinVar:

ClinVar aggregate classification (germline): Benign/Likely benign. Review status: criteria provided, multiple submitters, no conflicts (2 of 4 stars). 4 submissions from 4 submitters: Benign (1); Likely benign (2). 1 of the submissions does not count toward it. Last evaluated 2025-11-24.

Conditions:
CDT1-related disorder. Also called: CDT1-related condition.

Allele frequency attached by ClinVar (database versions not stated): gnomAD exomes 0.00038 and 0.00091; TOPMed 0.00082; ExAC 0.00094; ESP Exome Variant Server 0.00108; 1000 Genomes Project 0.00120; gnomAD 0.00137 and 0.00148; 1000 Genomes Project 30x 0.00156.
gnomAD v4.1: 759 of 1,612,828 alleles (0.047%); highest among the groups gnomAD compares: African/African-American, 0.21%; 2 homozygotes.

Submissions (4):

Labcorp Genetics (formerly Invitae), Labcorp
Classification: Benign. Last evaluated: 2025-11-24. Review status: criteria provided, single submitter. Criteria: Invitae Variant Classification Sherloc (09022015). Collection method: clinical testing. Allele origin: germline.

Laboratory of Genetics, Children's Clinical University Hospital Latvia
Classification: Likely benign. Last evaluated: 2025-02-16. Review status: criteria provided, single submitter. Criteria: ACMG Guidelines, 2015. Collection method: clinical testing. Allele origin: germline. Affected: yes.

Blueprint Genetics
Classification: Likely benign. Last evaluated: 2024-11-07. Review status: criteria provided, single submitter. Criteria: ACMG Guidelines, 2015. Collection method: clinical testing. Allele origin: germline.

PreventionGenetics, part of Exact Sciences
Classification: Benign for CDT1-related condition. Last evaluated: 2019-05-02. Review status: no assertion criteria provided. Collection method: clinical testing. Allele origin: germline. Not counted in ClinVar's aggregate classification.
Comment: This variant is classified as benign based on ACMG/AMP sequence variant interpretation guidelines (Richards et al. 2015 PMID: 25741868, with internal and published modifications).

NM_030928.4(CDT1):c.1123-4G>A

Gene: CDT1 (chromatin licensing and DNA replication factor 1; plus strand). Cytogenetic location: 16q24.3.
Variant type: single nucleotide variant.
Coding change: c.1123-4G>A on transcript NM_030928.4 (MANE Select); 4 bases into the intron before coding-DNA position 1123, G replaced by A.
Molecular consequence: intron variant.
Genome position (GRCh38, 1-based): chr16:88,807,047, G>A. VCF-style: chr16-88807047-G-A. GRCh37 (hg19) VCF-style: chr16-88873455-G-A.
Identifiers: ClinVar variation 760732 (VCV000760732.14), dbSNP rs373938189, ClinGen allele CA8234016.